The following is an entry in ClinVar:

ClinVar aggregate classification (germline): Uncertain significance (1 of 4 stars; one submission).

Submission:

GeneDx
Classification: Uncertain significance. Last evaluated: 2025-01-29. Review status: criteria provided, single submitter. Criteria: GeneDx Variant Classification Process June 2021. Collection method: clinical testing. Allele origin: germline. Affected: yes.
Comment: Not observed at significant frequency in large population cohorts (gnomAD); In silico analysis indicates that this missense variant does not alter protein structure/function; Has not been previously published as pathogenic or benign to our knowledge

NM_018426.3(TMEM63B):c.2407G>A (p.Asp803Asn)

Gene: TMEM63B (transmembrane protein 63B; plus strand). Cytogenetic location: 6p21.1.
Variant type: single nucleotide variant.
Coding change: c.2407G>A on transcript NM_018426.3 (MANE Select); coding-DNA position 2407, G replaced by A.
Protein change: p.Asp803Asn; replaces aspartic acid 803 with asparagine.
Molecular consequence: missense variant.
Genome position (GRCh38, 1-based): chr6:44,154,791, G>A. VCF-style: chr6-44154791-G-A. GRCh37 (hg19) VCF-style: chr6-44122528-G-A.
Other names: c.2407G>A, p.Asp803Asn (NM_001318792.1); short protein forms D803N.
Identifiers: ClinVar variation 4072560 (VCV004072560.1).